The following is an entry in ClinVar:

ClinVar aggregate classification (germline): Uncertain significance (1 of 4 stars; one submission).

Conditions:
Alzheimer disease. Also called: Presenile and senile dementia; Alzheimer's disease. Identifiers: Orphanet 1020, MedGen C0002395, MeSH D000544, MONDO:0004975, HP:0002511.

Submission:

Labcorp Genetics (formerly Invitae), Labcorp
Classification: Uncertain significance for Alzheimer disease. Last evaluated: 2024-04-25. Review status: criteria provided, single submitter. Criteria: Invitae Variant Classification Sherloc (09022015). Collection method: clinical testing. Allele origin: germline.
Comment: This sequence change replaces threonine, which is neutral and polar, with isoleucine, which is neutral and non-polar, at codon 59 of the APP protein (p.Thr59Ile). This variant is present in population databases (rs779869655, gnomAD 0.003%). This variant has not been reported in the literature in individuals affected with APP-related conditions. Advanced modeling of protein sequence and biophysical properties (such as structural, functional, and spatial information, amino acid conservation, physicochemical variation, residue mobility, and thermodynamic stability) performed at Invitae indicates that this missense variant is not expected to disrupt APP protein function with a negative predictive value of 95%. In summary, the available evidence is currently insufficient to determine the role of this variant in disease. Therefore, it has been classified as a Variant of Uncertain Significance.

NM_000484.4(APP):c.176C>T (p.Thr59Ile)

Gene: APP (amyloid beta precursor protein; minus strand). Cytogenetic location: 21q21.3.
Variant type: single nucleotide variant.
Coding change: c.176C>T on transcript NM_000484.4 (MANE Select); coding-DNA position 176, C replaced by T.
Protein change: p.Thr59Ile; replaces threonine 59 with isoleucine.
Molecular consequence: missense variant. On other transcripts: intron variant (2).
Genome position (GRCh38, 1-based): chr21:26,112,028, G>A on the plus strand (C>T on the coding strand, the complement: APP is on the minus strand). VCF-style: chr21-26112028-G-A. GRCh37 (hg19) VCF-style: chr21-27484345-G-A.
Other names: c.161C>T, p.Thr54Ile (NM_001136016.3); c.71C>T, p.Thr24Ile (NM_001136131.3); c.176C>T, p.Thr59Ile (NM_001204301.2, NM_001204302.2, NM_001204303.2 and 3 more transcripts); c.58-21956C>T (NM_001136129.3, NM_001136130.3); short protein forms T54I, T59I, T24I.
Identifiers: ClinVar variation 3663811 (VCV003663811.2).